The following is an entry in ClinVar:

ClinVar aggregate classification (germline): Pathogenic. Review status: criteria provided, multiple submitters, no conflicts (2 of 4 stars). 2 submissions from 2 submitters: Pathogenic (2). Last evaluated 2024-01-29.

Conditions:
Citrullinemia. Identifiers: Orphanet 187, MedGen C0175683, MONDO:0015991.
Citrullinemia type I (CTNL1). Also called: argininosuccinate synthetase deficiency; ASS DEFICIENCY. Identifiers: Orphanet 247525, MedGen C4721769, MONDO:0008988, OMIM 215700.

Submissions (2):

Baylor Genetics
Classification: Pathogenic for Citrullinemia type I. Last evaluated: 2024-01-29. Review status: criteria provided, single submitter. Criteria: ACMG Guidelines, 2015. Collection method: clinical testing. Allele origin: unknown.

Labcorp Genetics (formerly Invitae), Labcorp
Classification: Pathogenic for Citrullinemia. Last evaluated: 2021-03-23. Review status: criteria provided, single submitter. Criteria: Invitae Variant Classification Sherloc (09022015). Collection method: clinical testing. Allele origin: germline.
Comment: This sequence change creates a premature translational stop signal (p.Glu162Glyfs*22) in the ASS1 gene. It is expected to result in an absent or disrupted protein product. Loss-of-function variants in ASS1 are known to be pathogenic (PMID: 18473344, 19006241). For these reasons, this variant has been classified as Pathogenic. This variant has not been reported in the literature in individuals with ASS1-related conditions. ClinVar contains an entry for this variant (Variation ID: 813409). This variant is not present in population databases (ExAC no frequency).

Literature cited by the submitters: PubMed 18473344 (cited by Labcorp Genetics (formerly Invitae), Labcorp); PubMed 19006241 (cited by Labcorp Genetics (formerly Invitae), Labcorp).

NM_054012.4(ASS1):c.484dup (p.Glu162fs)

Gene: ASS1 (argininosuccinate synthase 1; plus strand). Cytogenetic location: 9q34.11.
Variant type: Duplication.
Coding change: c.484dup on transcript NM_054012.4 (MANE Select); coding-DNA position 484, one base duplicated (G; older notation c.484dupG).
Protein change: p.Glu162fs; shifts the reading frame from glutamic acid 162.
Molecular consequence: frameshift variant.
Genome position (GRCh38, 1-based): chr9:130,466,788, G duplicated; the last of 2 consecutive G bases (chr9:130,466,787-130,466,788); duplicating either gives the same sequence. VCF-style (leftmost placement, unchanged base first): chr9-130466786-T-TG. GRCh37 (hg19) VCF-style: chr9-133342173-T-TG.
Other names: c.484dup, p.Glu162fs (NM_000050.4); short protein forms E162fs.
Identifiers: ClinVar variation 813409 (VCV000813409.8), dbSNP rs1313340299, ClinGen allele CA375226499.